The following is an entry in ClinVar:

NM_000138.5(FBN1):c.3928G>C (p.Gly1310Arg)

Gene: FBN1 (fibrillin 1; minus strand). Cytogenetic location: 15q21.1.
Variant type: single nucleotide variant.
Coding change: c.3928G>C on transcript NM_000138.5 (MANE Select); coding-DNA position 3928, G replaced by C.
Protein change: p.Gly1310Arg; replaces glycine 1310 with arginine.
Molecular consequence: missense variant.
Genome position (GRCh38, 1-based): chr15:48,481,691, C>G on the plus strand (G>C on the coding strand, the complement: FBN1 is on the minus strand). VCF-style: chr15-48481691-C-G. GRCh37 (hg19) VCF-style: chr15-48773888-C-G.
Other names: c.3928G>C, p.Gly1310Arg (NM_001406716.1); short protein forms G1310R.
Identifiers: ClinVar variation 2943709 (VCV002943709.3), dbSNP rs2043466325, ClinGen allele CA392322267.

ClinVar aggregate classification (germline): Likely pathogenic (1 of 4 stars; one submission).

Conditions:
Marfan syndrome (MFS). Also called: MARFAN SYNDROME, TYPE I; Marfan syndrome type 1; Marfan's syndrome; Marfan syndrome, classic; FBN1-Related Marfan Syndrome. Identifiers: Orphanet 284963, Orphanet 558, MedGen C0024796, MONDO:0007947, OMIM 154700.
Familial thoracic aortic aneurysm and aortic dissection (TAAD). Also called: Thoracic aortic aneurysms and dissections. Identifiers: Orphanet 91387, MedGen C4707243, MONDO:0019625.

Submission:

Labcorp Genetics (formerly Invitae), Labcorp
Classification: Likely pathogenic for Marfan syndrome; Familial thoracic aortic aneurysm and aortic dissection. Last evaluated: 2023-03-01. Review status: criteria provided, single submitter. Criteria: Invitae Variant Classification Sherloc (09022015). Collection method: clinical testing. Allele origin: germline.
Comment: This variant is not present in population databases (gnomAD no frequency). This sequence change replaces glycine, which is neutral and non-polar, with arginine, which is basic and polar, at codon 1310 of the FBN1 protein (p.Gly1310Arg). This variant has not been reported in the literature in individuals affected with FBN1-related conditions. In summary, the currently available evidence indicates that the variant is pathogenic, but additional data are needed to prove that conclusively. Therefore, this variant has been classified as Likely Pathogenic. This variant disrupts the p.Gly1310 amino acid residue in FBN1. Other variant(s) that disrupt this residue have been determined to be pathogenic (PMID: 24940037). This suggests that this residue is clinically significant, and that variants that disrupt this residue are likely to be disease-causing. Advanced modeling of protein sequence and biophysical properties (such as structural, functional, and spatial information, amino acid conservation, physicochemical variation, residue mobility, and thermodynamic stability) performed at Invitae indicates that this missense variant is expected to disrupt FBN1 protein function.

Literature cited by the submitters: PubMed 24940037.